The following is an entry in ClinVar:

NM_017617.5(NOTCH1):c.5219C>T (p.Ala1740Val)

Gene: NOTCH1 (notch receptor 1; minus strand). Cytogenetic location: 9q34.3.
Variant type: single nucleotide variant.
Coding change: c.5219C>T on transcript NM_017617.5 (MANE Select); coding-DNA position 5219, C replaced by T.
Protein change: p.Ala1740Val; replaces alanine 1740 with valine.
Molecular consequence: missense variant.
Genome position (GRCh38, 1-based): chr9:136,502,437, G>A on the plus strand (C>T on the coding strand, the complement: NOTCH1 is on the minus strand). VCF-style: chr9-136502437-G-A. GRCh37 (hg19) VCF-style: chr9-139396889-G-A.
Other names: c.5219C>T, p.Ala1740Val (LRG_1122t1); short protein forms A1740V.
Identifiers: ClinVar variation 451966 (VCV000451966.11), dbSNP rs777962754, ClinGen allele CA5340357.

ClinVar aggregate classification (germline): Conflicting classifications of pathogenicity. Review status: criteria provided, conflicting classifications (1 of 4 stars). 3 submissions from 3 submitters: Uncertain significance (2); Benign (1). Last evaluated 2025-02-25.

Conditions:
Adams-Oliver syndrome 5 (AOS5). Identifiers: Orphanet 974, MedGen C4014970, MONDO:0014459, OMIM 616028.
Familial thoracic aortic aneurysm and aortic dissection (TAAD). Also called: Thoracic aortic aneurysms and dissections. Identifiers: Orphanet 91387, MedGen C4707243, MONDO:0019625.

Allele frequency attached by ClinVar (database versions not stated): gnomAD 0.00003 and 0.00004; TOPMed 0.00005; gnomAD exomes 0.00007; ExAC 0.00008.
gnomAD v4.1: 41 of 1,607,372 alleles (0.0026%); highest among the groups gnomAD compares: East Asian, 0.022%; no homozygotes.

Submissions (3):

Labcorp Genetics (formerly Invitae), Labcorp
Classification: Benign for Adams-Oliver syndrome 5. Last evaluated: 2025-02-25. Review status: criteria provided, single submitter. Criteria: Invitae Variant Classification Sherloc (09022015). Collection method: clinical testing. Allele origin: germline.

GeneDx
Classification: Uncertain significance. Last evaluated: 2023-12-07. Review status: criteria provided, single submitter. Criteria: GeneDx Variant Classification Process June 2021. Collection method: clinical testing. Allele origin: germline. Affected: yes.
Comment: Has not been previously published as pathogenic or benign in association with a NOTCH1-related disorder to our knowledge; In silico analysis supports that this missense variant does not alter protein structure/function; This variant is associated with the following publications: (PMID: 36900179)

Ambry Genetics
Classification: Uncertain significance for Familial thoracic aortic aneurysm and aortic dissection. Last evaluated: 2022-03-17. Review status: criteria provided, single submitter. Criteria: Ambry Variant Classification Scheme 2023. Collection method: clinical testing. Allele origin: germline.
Comment: The p.A1740V variant (also known as c.5219C>T), located in coding exon 28 of the NOTCH1 gene, results from a C to T substitution at nucleotide position 5219. The alanine at codon 1740 is replaced by valine, an amino acid with similar properties. This amino acid position is conserved. In addition, this alteration is predicted to be tolerated by in silico analysis. Since supporting evidence is limited at this time, the clinical significance of this alteration remains unclear.